The following is an entry in ClinVar:

ClinVar aggregate classification (germline): Uncertain significance. Review status: criteria provided, multiple submitters, no conflicts (2 of 4 stars). 3 submissions from 3 submitters: Uncertain significance (3). Last evaluated 2024-11-21.

Conditions:
Inborn genetic diseases. Identifiers: MedGen C0950123, MeSH D030342.

Allele frequency attached by ClinVar (database versions not stated): TOPMed 0.00002; ExAC 0.00003; gnomAD 0.00003.
gnomAD v4.1: 96 of 1,613,930 alleles (0.0059%); highest among the groups gnomAD compares: Non-Finnish European, 0.0078%; no homozygotes.

Submissions (3):

Ambry Genetics
Classification: Uncertain significance for Inborn genetic diseases. Last evaluated: 2024-11-21. Review status: criteria provided, single submitter. Criteria: Ambry Variant Classification Scheme 2023. Collection method: clinical testing. Allele origin: germline.

Labcorp Genetics (formerly Invitae), Labcorp
Classification: Uncertain significance for Combined immunodeficiency due to DOCK8 deficiency. Last evaluated: 2024-02-17. Review status: criteria provided, single submitter. Criteria: Invitae Variant Classification Sherloc (09022015). Collection method: clinical testing. Allele origin: germline.
Comment: This sequence change replaces aspartic acid, which is acidic and polar, with asparagine, which is neutral and polar, at codon 1148 of the DOCK8 protein (p.Asp1148Asn). This variant is present in population databases (rs767147947, gnomAD 0.005%). This variant has not been reported in the literature in individuals affected with DOCK8-related conditions. ClinVar contains an entry for this variant (Variation ID: 651848). Advanced modeling of protein sequence and biophysical properties (such as structural, functional, and spatial information, amino acid conservation, physicochemical variation, residue mobility, and thermodynamic stability) has been performed at Invitae for this missense variant, however the output from this modeling did not meet the statistical confidence thresholds required to predict the impact of this variant on DOCK8 protein function. In summary, the available evidence is currently insufficient to determine the role of this variant in disease. Therefore, it has been classified as a Variant of Uncertain Significance.

Blueprint Genetics
Classification: Uncertain significance. Last evaluated: 2019-04-24. Review status: criteria provided, single submitter. Criteria: ACMG Guidelines, 2015. Collection method: clinical testing. Allele origin: germline.

NM_203447.4(DOCK8):c.3442G>A (p.Asp1148Asn)

Gene: DOCK8 (dedicator of cytokinesis 8; plus strand). Cytogenetic location: 9p24.3.
Variant type: single nucleotide variant.
Coding change: c.3442G>A on transcript NM_203447.4 (MANE Select); coding-DNA position 3442, G replaced by A.
Protein change: p.Asp1148Asn; replaces aspartic acid 1148 with asparagine.
Molecular consequence: missense variant.
Genome position (GRCh38, 1-based): chr9:406,981, G>A. VCF-style: chr9-406981-G-A. GRCh37 (hg19) VCF-style: chr9-406981-G-A.
Other names: c.3142G>A, p.Asp1048Asn (NM_001190458.2); c.3238G>A, p.Asp1080Asn (NM_001193536.2); short protein forms D1048N, D1148N, D1080N.
Identifiers: ClinVar variation 651848 (VCV000651848.10), dbSNP rs767147947, ClinGen allele CA4958692.